The following is an entry in ClinVar:

NM_004260.4(RECQL4):c.2483T>C (p.Leu828Pro)

Gene: RECQL4 (RecQ like helicase 4; minus strand). Cytogenetic location: 8q24.3.
Variant type: single nucleotide variant.
Coding change: c.2483T>C on transcript NM_004260.4 (MANE Select); coding-DNA position 2483, T replaced by C.
Protein change: p.Leu828Pro; replaces leucine 828 with proline.
Molecular consequence: missense variant. On other transcripts: non-coding transcript variant (3).
Genome position (GRCh38, 1-based): chr8:144,513,119, A>G on the plus strand (T>C on the coding strand, the complement: RECQL4 is on the minus strand). VCF-style: chr8-144513119-A-G. GRCh37 (hg19) VCF-style: chr8-145738502-A-G.
Other names: c.2189T>C, p.Leu730Pro (NM_001413017.1); c.2285T>C, p.Leu762Pro (NM_001413018.1); c.2483T>C, p.Leu828Pro (NM_001413019.1, NM_001413036.1); c.2387T>C, p.Leu796Pro (NM_001413020.1); c.1412T>C, p.Leu471Pro (NM_001413021.1, NM_001413022.1, NM_001413023.1 and 5 more transcripts); c.2354T>C, p.Leu785Pro (NM_001413025.1); c.1346T>C, p.Leu449Pro (NM_001413027.1, NM_001413041.1, NM_001413030.1 and 1 more transcripts); c.2453T>C, p.Leu818Pro (NM_001413039.1); and 6 more; short protein forms L405P, L711P, L339P, L471P, L784P, L818P, L828P, L449P.
Identifiers: ClinVar variation 2721226 (VCV002721226.3), dbSNP rs891542221, ClinGen allele CA187681933.

ClinVar aggregate classification (germline): Uncertain significance (1 of 4 stars; one submission).

Conditions:
Baller-Gerold syndrome (BGS). Also called: CRANIOSYNOSTOSIS WITH RADIAL DEFECTS. Identifiers: Orphanet 1225, MedGen C0265308, MONDO:0009039, OMIM 218600.

Submission:

Labcorp Genetics (formerly Invitae), Labcorp
Classification: Uncertain significance for Baller-Gerold syndrome. Last evaluated: 2023-03-01. Review status: criteria provided, single submitter. Criteria: Invitae Variant Classification Sherloc (09022015). Collection method: clinical testing. Allele origin: germline.
Comment: In summary, the available evidence is currently insufficient to determine the role of this variant in disease. Therefore, it has been classified as a Variant of Uncertain Significance. Advanced modeling of protein sequence and biophysical properties (such as structural, functional, and spatial information, amino acid conservation, physicochemical variation, residue mobility, and thermodynamic stability) performed at Invitae indicates that this missense variant is expected to disrupt RECQL4 protein function. This variant has not been reported in the literature in individuals affected with RECQL4-related conditions. This variant is not present in population databases (gnomAD no frequency). This sequence change replaces leucine, which is neutral and non-polar, with proline, which is neutral and non-polar, at codon 828 of the RECQL4 protein (p.Leu828Pro).